The following is an entry in ClinVar:

NM_001009944.3(PKD1):c.8835C>T (p.Tyr2945=)

Gene: PKD1 (polycystin 1, transient receptor potential channel interacting; minus strand). Cytogenetic location: 16p13.3.
Variant type: single nucleotide variant.
Coding change: c.8835C>T on transcript NM_001009944.3 (MANE Select); coding-DNA position 8835, C replaced by T.
Protein change: p.Tyr2945=; no amino-acid change (tyrosine 2945 retained).
Molecular consequence: synonymous variant.
Genome position (GRCh38, 1-based): chr16:2,102,927, G>A on the plus strand (C>T on the coding strand, the complement: PKD1 is on the minus strand). VCF-style: chr16-2102927-G-A. GRCh37 (hg19) VCF-style: chr16-2152928-G-A.
Other names: c.8835C>T, p.Tyr2945= (NM_000296.4).
Identifiers: ClinVar variation 4847589 (VCV004847589.1).
Genomic context (GRCh38, chr16:2,102,927, plus strand): 5'-TGGGCGGATCCTCCTGCTAGCCGAGCAGTTGTGCTCATTGGGCCGGGGCTCCGAGTGTAG[G>A]TAGACTGCCAGGTAGGGCTCAGGTTCCTCAGACAGGTAGTGGCCTGGGGCAGAACGCGCA-3'
Protein context (NP_001009944.3, residues 2935-2955): SEEPEPYLAV[Tyr2945=]LHSEPRPNEH

ClinVar aggregate classification (germline): Likely benign (1 of 4 stars; one submission).

gnomAD v4.1: 18 of 1,609,002 alleles (0.0011%); highest among the groups gnomAD compares: Admixed American, 0.0017%; no homozygotes.

Submission:

Women's Health and Genetics/Laboratory Corporation of America, LabCorp
Classification: Likely benign. Last evaluated: 2026-03-02. Review status: criteria provided, single submitter. Criteria: LabCorp Variant Classification Summary - May 2015. Collection method: clinical testing. Allele origin: germline.
Comment: Variant summary: PKD1 c.8835C>T alters a conserved nucleotide resulting in a synonymous change. Consensus agreement among computation tools predict no significant impact on normal splicing. However, these predictions have yet to be confirmed by functional studies. The variant allele was found at a frequency of 8.1e-06 in 247686 control chromosomes. The available data on variant occurrences in the general population are insufficient to allow any conclusion about variant significance. To our knowledge, no occurrence of c.8835C>T in individuals affected with PKD1-related conditions and no experimental evidence demonstrating its impact on protein function have been reported. No submitters have cited clinical-significance assessments for this variant to ClinVar. Based on the evidence outlined above, the variant was classified as likely benign.